The following is an entry in ClinVar:

NM_001401501.2(MUC16):c.11055A>G (p.Pro3685=)

Gene: MUC16 (mucin 16, cell surface associated; minus strand). Cytogenetic location: 19p13.2.
Variant type: single nucleotide variant.
Coding change: c.11055A>G on transcript NM_001401501.2 (MANE Select); coding-DNA position 11055, A replaced by G.
Protein change: p.Pro3685=; no amino-acid change (proline 3685 retained).
Molecular consequence: synonymous variant.
Genome position (GRCh38, 1-based): chr19:8,965,835, T>C on the plus strand (A>G on the coding strand, the complement: MUC16 is on the minus strand). VCF-style: chr19-8965835-T-C. GRCh37 (hg19) VCF-style: chr19-9076511-T-C.
Other names: c.11481A>G, p.Pro3827= (NM_001414686.1); c.10935A>G, p.Pro3645= (NM_001414687.1, NM_024690.2).
Identifiers: ClinVar variation 2649261 (VCV002649261.24), dbSNP rs2047030737, ClinGen allele CA505450850.

ClinVar aggregate classification (germline): Likely benign (1 of 4 stars; one submission).

Submission:

CeGaT Center for Human Genetics Tuebingen
Classification: Likely benign. Last evaluated: 2022-06-01. Review status: criteria provided, single submitter. Criteria: CeGaT Center For Human Genetics Tuebingen Variant Classification Criteria Version 2. Collection method: clinical testing. Allele origin: germline. Affected: yes. Observed: 1 variant allele.
Comment: MUC16: PM2:Supporting, BP4, BP7